The following is an entry in ClinVar:

NM_001848.3(COL6A1):c.1003-5T>A

Gene: COL6A1 (collagen type VI alpha 1 chain; plus strand). Cytogenetic location: 21q22.3.
Variant type: single nucleotide variant.
Coding change: c.1003-5T>A on transcript NM_001848.3 (MANE Select); 5 bases into the intron before coding-DNA position 1003, T replaced by A.
Molecular consequence: intron variant.
Genome position (GRCh38, 1-based): chr21:45,990,768, T>A. VCF-style: chr21-45990768-T-A. GRCh37 (hg19) VCF-style: chr21-47410682-T-A.
Identifiers: ClinVar variation 4730099 (VCV004730099.1).

ClinVar aggregate classification (germline): Uncertain significance (1 of 4 stars; one submission).

Conditions:
Bethlem myopathy 1A. Also called: MYOPATHY, BENIGN CONGENITAL, WITH CONTRACTURES; Bethlem myopathy 1; Bethlem Muscular Dystrophy. Identifiers: Orphanet 610, MedGen CN029274, MONDO:0024530, OMIM 158810.

Submission:

Labcorp Genetics (formerly Invitae), Labcorp
Classification: Uncertain significance for Bethlem myopathy 1A. Last evaluated: 2025-10-28. Review status: criteria provided, single submitter. Criteria: Invitae Variant Classification Sherloc (09022015). Collection method: clinical testing. Allele origin: germline.
Comment: This sequence change falls in intron 13 of the COL6A1 gene. It does not directly change the encoded amino acid sequence of the COL6A1 protein. This variant is not present in population databases (gnomAD no frequency). This variant has not been reported in the literature in individuals affected with COL6A1-related conditions. Algorithms developed to predict the effect of sequence changes on RNA splicing suggest that this variant may disrupt the consensus splice site. In summary, the available evidence is currently insufficient to determine the role of this variant in disease. Therefore, it has been classified as a Variant of Uncertain Significance.